The following is an entry in ClinVar:

NM_000368.5(TSC1):c.574del (p.Tyr192fs)

Gene: TSC1 (TSC complex subunit 1; minus strand). Cytogenetic location: 9q34.13.
Variant type: Deletion.
Coding change: c.574del on transcript NM_000368.5 (MANE Select); coding-DNA position 574, one base deleted (T; older notation c.574delT).
Protein change: p.Tyr192fs; shifts the reading frame from tyrosine 192.
Molecular consequence: frameshift variant.
Genome position (GRCh38, 1-based): chr9:132,921,908, A deleted on the plus strand (T on the coding strand, the reverse complement: TSC1 is on the minus strand); the first of 3 consecutive A bases (chr9:132,921,908-132,921,910); deleting any one gives the same sequence. VCF-style (leftmost placement, unchanged base first): chr9-132921907-TA-T. GRCh37 (hg19) VCF-style: chr9-135797294-TA-T.
Other names: c.574del, p.Tyr192fs (NM_001162426.2); c.421del, p.Tyr141fs (NM_001162427.2); c.211del, p.Tyr71fs (NM_001362177.2); short protein forms Y71fs, Y141fs, Y192fs.
Identifiers: ClinVar variation 963478 (VCV000963478.9), dbSNP rs1846585365, ClinGen allele CA645557269.

ClinVar aggregate classification (germline): Pathogenic (1 of 4 stars; one submission).

Conditions:
Tuberous sclerosis 1 (TSC1). Identifiers: Orphanet 805, MedGen C1854465, MONDO:0008612, OMIM 191100.

Submission:

Labcorp Genetics (formerly Invitae), Labcorp
Classification: Pathogenic for Tuberous sclerosis 1. Last evaluated: 2019-07-21. Review status: criteria provided, single submitter. Criteria: Invitae Variant Classification Sherloc (09022015). Collection method: clinical testing. Allele origin: germline.
Comment: For these reasons, this variant has been classified as Pathogenic. Loss-of-function variants in TSC1 are known to be pathogenic (PMID: 10227394, 17304050). This variant has been observed in individuals affected with tuberous sclerosis complex (PMID: 29432982, 27061015). This variant is not present in population databases (ExAC no frequency). This sequence change creates a premature translational stop signal (p.Tyr192Metfs*18) in the TSC1 gene. It is expected to result in an absent or disrupted protein product.

Literature cited by the submitters: PubMed 10227394; PubMed 17304050; PubMed 29432982; PubMed 27061015.